The following is an entry in ClinVar:

NM_000359.3(TGM1):c.1154C>T (p.Thr385Ile)

Gene: TGM1 (transglutaminase 1; minus strand). Cytogenetic location: 14q12.
Variant type: single nucleotide variant.
Coding change: c.1154C>T on transcript NM_000359.3 (MANE Select); coding-DNA position 1154, C replaced by T.
Protein change: p.Thr385Ile; replaces threonine 385 with isoleucine.
Molecular consequence: missense variant.
Genome position (GRCh38, 1-based): chr14:24,259,080, G>A on the plus strand (C>T on the coding strand, the complement: TGM1 is on the minus strand). VCF-style: chr14-24259080-G-A. GRCh37 (hg19) VCF-style: chr14-24728286-G-A.
Other names: short protein forms T385I.
Identifiers: ClinVar variation 4845242 (VCV004845242.1).

ClinVar aggregate classification (germline): Uncertain significance (1 of 4 stars; one submission).

Conditions:
Ichthyosis and erythrokeratoderma.

Submission:

Genetics Laboratory, Great Ormond Street Hospital NHS Foundation Trust, North Thames Genomic Laboratory Hub
Classification: Uncertain significance for Ichthyosis and erythrokeratoderma. Last evaluated: 2026-02-25. Review status: criteria provided, single submitter. Criteria: ACGS Best Practice Guidelines for Variant Classification in Rare Disease 2024 v1.2. Collection method: clinical testing. Allele origin: germline. Affected: yes.
Comment: PM2_moderate, PP3_supporting, PM1_supporting, PM3_supporting